The following is an entry in ClinVar:

ClinVar aggregate classification (germline): Uncertain significance. Review status: criteria provided, multiple submitters, no conflicts (2 of 4 stars). 2 submissions from 2 submitters: Uncertain significance (2). Last evaluated 2025-05-21.

Allele frequency attached by ClinVar (database versions not stated): gnomAD exomes below 0.00001 and 0.00001; ExAC 0.00001; gnomAD 0.00004; TOPMed 0.00004.
gnomAD v4.1: 9 of 1,614,112 alleles (0.00056%); highest among the groups gnomAD compares: African/African-American, 0.0093%; no homozygotes.

Submissions (2):

Labcorp Genetics (formerly Invitae), Labcorp
Classification: Uncertain significance. Last evaluated: 2025-05-21. Review status: criteria provided, single submitter. Criteria: Invitae Variant Classification Sherloc (09022015). Collection method: clinical testing. Allele origin: germline.
Comment: This sequence change replaces leucine, which is neutral and non-polar, with proline, which is neutral and non-polar, at codon 510 of the ANKZF1 protein (p.Leu510Pro). This variant is present in population databases (rs765127798, gnomAD 0.007%). This variant has not been reported in the literature in individuals affected with ANKZF1-related conditions. ClinVar contains an entry for this variant (Variation ID: 1484462). An algorithm developed to predict the effect of missense changes on protein structure and function (PolyPhen-2) suggests that this variant is likely to be disruptive. In summary, the available evidence is currently insufficient to determine the role of this variant in disease. Therefore, it has been classified as a Variant of Uncertain Significance.

Ambry Genetics
Classification: Uncertain significance. Last evaluated: 2024-05-01. Review status: criteria provided, single submitter. Criteria: Ambry Variant Classification Scheme 2023. Collection method: clinical testing. Allele origin: germline.

NM_018089.3(ANKZF1):c.1529T>C (p.Leu510Pro)

Gene: ANKZF1 (ankyrin repeat and zinc finger peptidyl tRNA hydrolase 1; plus strand). Cytogenetic location: 2q35.
Variant type: single nucleotide variant.
Coding change: c.1529T>C on transcript NM_018089.3 (MANE Select); coding-DNA position 1529, T replaced by C.
Protein change: p.Leu510Pro; replaces leucine 510 with proline.
Molecular consequence: missense variant.
Genome position (GRCh38, 1-based): chr2:219,235,150, T>C. VCF-style: chr2-219235150-T-C. GRCh37 (hg19) VCF-style: chr2-220099872-T-C.
Other names: c.1529T>C (NM_018089.2); c.1529T>C, p.Leu510Pro (NM_001042410.2); c.899T>C, p.Leu300Pro (NM_001282792.2); short protein forms L300P, L510P.
Identifiers: ClinVar variation 1484462 (VCV001484462.9), dbSNP rs765127798, ClinGen allele CA2121089.